The following is an entry in ClinVar:

ClinVar aggregate classification (germline): Pathogenic (1 of 4 stars; one submission).

Conditions:
Trichorhinophalangeal syndrome, type III (TRPS3). Also called: SUGIO-KAJII SYNDROME. Identifiers: Orphanet 77258, MedGen C1860823, OMIM 190351, MONDO:0008597.
Trichorhinophalangeal dysplasia type I (TRPS1). Also called: TRPS I; TRICHORHINOPHALANGEAL SYNDROME, TYPE I. Identifiers: Orphanet 77258, MedGen C0432233, MONDO:0008596, OMIM 190350.

Submission:

Labcorp Genetics (formerly Invitae), Labcorp
Classification: Pathogenic for Trichorhinophalangeal syndrome, type III; Trichorhinophalangeal dysplasia type I. Last evaluated: 2020-03-27. Review status: criteria provided, single submitter. Criteria: Invitae Variant Classification Sherloc (09022015). Collection method: clinical testing. Allele origin: germline.
Comment: For these reasons, this variant has been classified as Pathogenic. Loss-of-function variants in TRPS1 are known to be pathogenic (PMID: 11112658). Algorithms developed to predict the effect of sequence changes on RNA splicing suggest that this variant may create or strengthen a splice site, but this prediction has not been confirmed by published transcriptional studies. This variant has not been reported in the literature in individuals with TRPS1-related conditions. This variant is not present in population databases (ExAC no frequency). This sequence change creates a premature translational stop signal (p.Ser886*) in the TRPS1 gene. It is expected to result in an absent or disrupted protein product.

Literature cited by the submitters: PubMed 11112658.

NM_014112.5(TRPS1):c.2657C>A (p.Ser886Ter)

Gene: TRPS1 (transcriptional repressor GATA binding 1; minus strand). Cytogenetic location: 8q23.3.
Variant type: single nucleotide variant.
Coding change: c.2657C>A on transcript NM_014112.5 (MANE Select); coding-DNA position 2657, C replaced by A.
Protein change: p.Ser886Ter; replaces serine 886 with a stop codon.
Molecular consequence: nonsense.
Genome position (GRCh38, 1-based): chr8:115,587,044, G>T on the plus strand (C>A on the coding strand, the complement: TRPS1 is on the minus strand). VCF-style: chr8-115587044-G-T. GRCh37 (hg19) VCF-style: chr8-116599271-G-T.
Other names: c.2630C>A, p.Ser877Ter (NM_001282902.3); c.2636C>A, p.Ser879Ter (NM_001282903.3); c.2618C>A, p.Ser873Ter (NM_001330599.2); short protein forms S873*, S877*, S879*, S886*.
Identifiers: ClinVar variation 1069269 (VCV001069269.7), dbSNP rs142472404, ClinGen allele CA372064668.